The following is an entry in ClinVar:

ClinVar aggregate classification (germline): Uncertain significance. Review status: criteria provided, multiple submitters, no conflicts (2 of 4 stars). 2 submissions from 2 submitters: Uncertain significance (2). Last evaluated 2026-04-22.

Conditions:
Hereditary diffuse gastric adenocarcinoma (HDGC). Also called: DIFFUSE GASTRIC AND LOBULAR BREAST CANCER SYNDROME. Identifiers: Orphanet 26106, MedGen C1708349, MONDO:0007648, OMIM 137215.
Hereditary cancer-predisposing syndrome. Also called: Tumor predisposition; Neoplastic Syndromes, Hereditary; Hereditary Cancer Syndrome; Hereditary neoplastic syndrome. Identifiers: Orphanet 140162, MedGen C0027672, MeSH D009386, MONDO:0015356.

Submissions (2):

Ambry Genetics
Classification: Uncertain significance for Hereditary cancer-predisposing syndrome. Last evaluated: 2026-04-22. Review status: criteria provided, single submitter. Criteria: Ambry Variant Classification Scheme 2023. Collection method: clinical testing. Allele origin: germline.
Comment: The p.I584N variant (also known as c.1751T>A), located in coding exon 12 of the CDH1 gene, results from a T to A substitution at nucleotide position 1751. The isoleucine at codon 584 is replaced by asparagine, an amino acid with dissimilar properties. This amino acid position is conserved. In addition, this alteration is predicted to be tolerated by in silico analysis. Based on the available evidence, the clinical significance of this variant remains unclear.

Labcorp Genetics (formerly Invitae), Labcorp
Classification: Uncertain significance for Hereditary diffuse gastric adenocarcinoma. Last evaluated: 2021-05-02. Review status: criteria provided, single submitter. Criteria: Invitae Variant Classification Sherloc (09022015). Collection method: clinical testing. Allele origin: germline.
Comment: This sequence change replaces isoleucine with asparagine at codon 584 of the CDH1 protein (p.Ile584Asn). The isoleucine residue is weakly conserved and there is a large physicochemical difference between isoleucine and asparagine. In summary, the available evidence is currently insufficient to determine the role of this variant in disease. Therefore, it has been classified as a Variant of Uncertain Significance. Algorithms developed to predict the effect of missense changes on protein structure and function (SIFT, PolyPhen-2, Align-GVGD) all suggest that this variant is likely to be tolerated, but these predictions have not been confirmed by published functional studies and their clinical significance is uncertain. This variant has not been reported in the literature in individuals with CDH1-related conditions. This variant is not present in population databases (ExAC no frequency).

NM_004360.5(CDH1):c.1751T>A (p.Ile584Asn)

Gene: CDH1 (cadherin 1; plus strand). Cytogenetic location: 16q22.1.
Variant type: single nucleotide variant.
Coding change: c.1751T>A on transcript NM_004360.5 (MANE Select); coding-DNA position 1751, T replaced by A.
Protein change: p.Ile584Asn; replaces isoleucine 584 with asparagine.
Molecular consequence: missense variant. On other transcripts: 5 prime UTR variant (1).
Genome position (GRCh38, 1-based): chr16:68,822,040, T>A. VCF-style: chr16-68822040-T-A. GRCh37 (hg19) VCF-style: chr16-68855943-T-A.
Other names: c.1568T>A, p.Ile523Asn (NM_001317184.2); c.203T>A, p.Ile68Asn (NM_001317185.2); c.-215T>A (NM_001317186.2); c.1751T>A (NM_004360.3); short protein forms I68N, I523N, I584N.
Identifiers: ClinVar variation 1479211 (VCV001479211.9), dbSNP rs2152138212, ClinGen allele CA396466432.
Genomic context (GRCh38, chr16:68,822,040, plus strand): 5'-TTTCTGTGTATTTTCTCTTAGGTTCTCCAGTTGCTACTGGAACAGGGACACTTCTGCTGA[T>A]CCTGTCTGATGTGAATGACAACGCCCCCATACCAGAACCTCGAACTATATTCTTCTGTGA-3'
Protein context (NP_004351.1, residues 574-594): VATGTGTLLL[Ile584Asn]LSDVNDNAPI